The following is an entry in ClinVar:

ClinVar aggregate classification (germline): Uncertain significance (1 of 4 stars; one submission).

Allele frequency attached by ClinVar (database versions not stated): ExAC 0.00002.
gnomAD v4.1: 30 of 1,591,816 alleles (0.0019%); highest among the groups gnomAD compares: Middle Eastern, 0.083%; 1 homozygote.

Submission:

Labcorp Genetics (formerly Invitae), Labcorp
Classification: Uncertain significance. Last evaluated: 2025-09-25. Review status: criteria provided, single submitter. Criteria: Invitae Variant Classification Sherloc (09022015). Collection method: clinical testing. Allele origin: germline.
Comment: This sequence change falls in intron 6 of the MMP13 gene. It does not directly change the encoded amino acid sequence of the MMP13 protein. It affects a nucleotide within the consensus splice site. This variant is present in population databases (rs782433681, gnomAD 0.02%). This variant has not been reported in the literature in individuals affected with MMP13-related conditions. ClinVar contains an entry for this variant (Variation ID: 2978497). Variants that disrupt the consensus splice site are a relatively common cause of aberrant splicing (PMID: 17576681, 9536098). Algorithms developed to predict the effect of sequence changes on RNA splicing suggest that this variant is not likely to affect RNA splicing. In summary, the available evidence is currently insufficient to determine the role of this variant in disease. Therefore, it has been classified as a Variant of Uncertain Significance.

Literature cited by the submitters: PubMed 17576681; PubMed 9536098.

NM_002427.4(MMP13):c.917+5T>C

Gene: MMP13 (matrix metallopeptidase 13; minus strand). Cytogenetic location: 11q22.2.
Variant type: single nucleotide variant.
Coding change: c.917+5T>C on transcript NM_002427.4 (MANE Select); 5 bases into the intron after coding-DNA position 917, T replaced by C.
Molecular consequence: intron variant.
Genome position (GRCh38, 1-based): chr11:102,950,105, A>G on the plus strand (T>C on the coding strand, the complement: MMP13 is on the minus strand). VCF-style: chr11-102950105-A-G. GRCh37 (hg19) VCF-style: chr11-102820834-A-G.
Identifiers: ClinVar variation 2978497 (VCV002978497.3), dbSNP rs782433681, ClinGen allele CA6251855.
Genomic context (GRCh38, chr11:102,950,105, plus strand): 5'-ATATGCAGAAGCAGCTTCACAGATGTTTGTCGCATACAGACTTTATGAAAGAATCTCAAG[A>G]GTACCTGTCTTTAAAGATCATTGTTTCTCCTCGGAGACTGGTAATGGCATCAAGGGATAA-3'